The following is an entry in ClinVar:

ClinVar aggregate classification (germline): Uncertain significance. Review status: criteria provided, multiple submitters, no conflicts (2 of 4 stars). 2 submissions from 2 submitters: Uncertain significance (2). Last evaluated 2024-01-22.

Conditions:
Inborn genetic diseases. Identifiers: MedGen C0950123, MeSH D030342.
3-methylcrotonyl-CoA carboxylase 1 deficiency (MCC1D). Also called: MCCD TYPE 1; METHYLCROTONYLGLYCINURIA TYPE I; MCC 1 deficiency; 3 Alpha methylcrotonylglycinuria 1. Identifiers: Orphanet 6, MedGen CN028786, MONDO:0008861, OMIM 210200.

Allele frequency attached by ClinVar (database versions not stated): gnomAD exomes 0.00001; TOPMed 0.00002; ExAC 0.00003; gnomAD 0.00003.
gnomAD v4.1: 22 of 1,613,954 alleles (0.0014%); highest among the groups gnomAD compares: South Asian, 0.0088%; no homozygotes.

Submissions (2):

Ambry Genetics
Classification: Uncertain significance for Inborn genetic diseases. Last evaluated: 2024-01-22. Review status: criteria provided, single submitter. Criteria: Ambry Variant Classification Scheme 2023. Collection method: clinical testing. Allele origin: germline.

Labcorp Genetics (formerly Invitae), Labcorp
Classification: Uncertain significance for 3-methylcrotonyl-CoA carboxylase 1 deficiency. Last evaluated: 2021-08-31. Review status: criteria provided, single submitter. Criteria: Invitae Variant Classification Sherloc (09022015). Collection method: clinical testing. Allele origin: germline.
Comment: This sequence change replaces alanine with threonine at codon 101 of the MCCC1 protein (p.Ala101Thr). The alanine residue is moderately conserved and there is a small physicochemical difference between alanine and threonine. This variant is present in population databases (rs775931500, ExAC 0.01%). This variant has not been reported in the literature in individuals affected with MCCC1-related conditions. Algorithms developed to predict the effect of missense changes on protein structure and function are either unavailable or do not agree on the potential impact of this missense change (SIFT: "Tolerated"; PolyPhen-2: "Probably Damaging"; Align-GVGD: "Class C0"). In summary, the available evidence is currently insufficient to determine the role of this variant in disease. Therefore, it has been classified as a Variant of Uncertain Significance.

NM_020166.5(MCCC1):c.301G>A (p.Ala101Thr)

Gene: MCCC1 (methylcrotonyl-CoA carboxylase subunit 1; minus strand). Cytogenetic location: 3q27.1.
Variant type: single nucleotide variant.
Coding change: c.301G>A on transcript NM_020166.5 (MANE Select); coding-DNA position 301, G replaced by A.
Protein change: p.Ala101Thr; replaces alanine 101 with threonine.
Molecular consequence: missense variant. On other transcripts: synonymous variant (1), 5 prime UTR variant (1), non-coding transcript variant (1).
Genome position (GRCh38, 1-based): chr3:183,086,761, C>T on the plus strand (G>A on the coding strand, the complement: MCCC1 is on the minus strand). VCF-style: chr3-183086761-C-T. GRCh37 (hg19) VCF-style: chr3-182804549-C-T.
Other names: c.72G>A, p.Pro24= (NM_001293273.2); c.-27G>A (NM_001363880.1); c.301G>A (NM_020166.3); short protein forms A101T.
Identifiers: ClinVar variation 2149976 (VCV002149976.2), dbSNP rs775931500, ClinGen allele CA2719113.
Genomic context (GRCh38, chr3:183,086,761, plus strand): 5'-CAGAGGTCTTGGCCACTTGAATGATTTTCTCCATAGATAGGTAGCTCTGCTGGGAGGGAG[C>T]GGGGCCGATGGAATATGCTTCATCTGCCTGTTTAAGAAACATCACATGCTTAAAAGACTT-3'
Protein context (NP_064551.3, residues 91-111): MADEAYSIGP[Ala101Thr]PSQQSYLSME